The following is an entry in ClinVar:

NM_001365276.2(TNXB):c.983G>A (p.Cys328Tyr)

Gene: TNXB (tenascin XB; minus strand). Cytogenetic location: 6p21.33.
Variant type: single nucleotide variant.
Coding change: c.983G>A on transcript NM_001365276.2 (MANE Select); coding-DNA position 983, G replaced by A.
Protein change: p.Cys328Tyr; replaces cysteine 328 with tyrosine.
Molecular consequence: missense variant.
Genome position (GRCh38, 1-based): chr6:32,096,870, C>T on the plus strand (G>A on the coding strand, the complement: TNXB is on the minus strand). VCF-style: chr6-32096870-C-T. GRCh37 (hg19) VCF-style: chr6-32064647-C-T.
Other names: c.983G>A, p.Cys328Tyr (NM_001428335.1, NM_019105.8); short protein forms C328Y.
Identifiers: ClinVar variation 3459921 (VCV003459921.1).

ClinVar aggregate classification (germline): Uncertain significance (1 of 4 stars; one submission).

Conditions:
Cardiovascular phenotype. Identifiers: MedGen CN230736.

gnomAD v4.1: 3 of 1,608,358 alleles (0.00019%); highest among the groups gnomAD compares: South Asian, 0.0022%; no homozygotes.

Submission:

Ambry Genetics
Classification: Uncertain significance for Cardiovascular phenotype. Last evaluated: 2024-12-08. Review status: criteria provided, single submitter. Criteria: Ambry Variant Classification Scheme 2023. Collection method: clinical testing. Allele origin: germline.
Comment: The p.C328Y variant (also known as c.983G>A), located in coding exon 2 of the TNXB gene, results from a G to A substitution at nucleotide position 983. The cysteine at codon 328 is replaced by tyrosine, an amino acid with highly dissimilar properties. This amino acid position is conserved. In addition, this alteration is predicted to be deleterious by in silico analysis. Based on the available evidence, the clinical significance of this variant remains unclear.